The following is an entry in ClinVar:

ClinVar aggregate classification (germline): Likely pathogenic (1 of 4 stars; one submission).

Submission:

GeneDx
Classification: Likely pathogenic. Last evaluated: 2026-04-17. Review status: criteria provided, single submitter. Criteria: GeneDx Variant Classification Process June 2021. Collection method: clinical testing. Allele origin: germline.
Comment: Frameshift variant predicted to result in abnormal protein length as the last 284 amino acid(s) are replaced with 15 different amino acid(s), and other similar variants have been reported in HGMD; Not observed at significant frequency in large population cohorts (gnomAD); Has not been previously published as pathogenic or benign to our knowledge

NM_001330260.2(SCN8A):c.5089_5111del (p.Cys1697fs)

Gene: SCN8A (sodium voltage-gated channel alpha subunit 8; plus strand). Cytogenetic location: 12q13.13.
Variant type: Deletion.
Coding change: c.5089_5111del on transcript NM_001330260.2 (MANE Select); coding-DNA positions 5089 to 5111, 23 bases deleted (TGCCTGTTTCAAATCACAACCTC).
Protein change: p.Cys1697fs; shifts the reading frame from cysteine 1697.
Molecular consequence: frameshift variant.
Genome position (GRCh38, 1-based): chr12:51,806,575-51,806,597, TGCCTGTTTCAAATCACAACCTC deleted; deleting any 23 consecutive bases within chr12:51,806,573-51,806,597 gives the same sequence; the c. name uses the placement nearest the transcript's 3' end. VCF-style (leftmost placement, unchanged base first): chr12-51806572-ATCTGCCTGTTTCAAATCACAACC-A. GRCh37 (hg19) VCF-style: chr12-52200356-ATCTGCCTGTTTCAAATCACAACC-A.
Other names: c.4966_4988del, p.Cys1656fs (NM_001177984.3, NM_001369788.1); c.5089_5111del, p.Cys1697fs (NM_014191.4); short protein forms C1656fs, C1697fs.
Identifiers: ClinVar variation 5036907 (VCV005036907.1).